The following is an entry in ClinVar:

ClinVar aggregate classification (germline): Uncertain significance. Review status: criteria provided, multiple submitters, no conflicts (2 of 4 stars). 5 submissions from 5 submitters: Uncertain significance (5). Last evaluated 2026-03-24.

Conditions:
PLEC-related disorder. Also called: PLEC-related condition; PLEC-related disorders.
Inborn genetic diseases. Identifiers: MedGen C0950123, MeSH D030342.
Autosomal recessive limb-girdle muscular dystrophy type 2Q (LGMDR17). Also called: MUSCULAR DYSTROPHY, LIMB-GIRDLE, AUTOSOMAL RECESSIVE 17. Identifiers: Orphanet 254361, MedGen C3150989, MONDO:0013390, OMIM 613723.
Epidermolysis bullosa simplex, Ogna type (EBS5A). Also called: Pidermolysis bullosa simplex 5A, Ogna type; EPIDERMOLYSIS BULLOSA SIMPLEX 5A, OGNA TYPE. Identifiers: Orphanet 79401, MedGen C0432317, MONDO:0007555, OMIM 131950.
Epidermolysis bullosa simplex with nail dystrophy (EBS5D). Identifiers: MedGen C4225309, MONDO:0014661, OMIM 616487.
Epidermolysis bullosa simplex 5C, with pyloric atresia (EBS5C). Also called: PLEC-Related Epidermolysis Bullosa with Pyloric Atresia; Epidermolysis bullosa simplex with pyloric atresia; PLEC1-Related Epidermolysis Bullosa with Pyloric Atresia. Identifiers: Orphanet 158684, MedGen C2677349, MONDO:0012807, OMIM 612138.
Epidermolysis bullosa simplex 5B, with muscular dystrophy (EBS5B). Also called: EPIDERMOLYSIS BULLOSA SIMPLEX AND LIMB-GIRDLE MUSCULAR DYSTROPHY; Epidermolysis bullosa simplex with muscular dystrophy. Identifiers: Orphanet 257, MedGen C2931072, MONDO:0009181, OMIM 226670.

Allele frequency attached by ClinVar (database versions not stated): ExAC 0.00009; gnomAD 0.00009 and 0.00010; gnomAD exomes 0.00012 and 0.00032; TOPMed 0.00012.
gnomAD v4.1: 446 of 1,534,428 alleles (0.029%); highest among the groups gnomAD compares: Non-Finnish European, 0.038%; no homozygotes.

Submissions (5):

PreventionGenetics, part of Exact Sciences
Classification: Uncertain significance for PLEC-related condition. Last evaluated: 2026-03-24. Review status: criteria provided, single submitter. Criteria: ACMG Guidelines, 2015. Collection method: clinical testing. Allele origin: germline.
Comment: The PLEC c.5321C>T variant is predicted to result in the amino acid substitution p.Thr1774Met. To our knowledge, this variant has not been reported in the literature. This variant is reported in 0.027% of alleles in individuals of European (Non-Finnish) descent in gnomAD. At this time, the clinical significance of this variant is uncertain due to the absence of conclusive functional and genetic evidence.

Labcorp Genetics (formerly Invitae), Labcorp
Classification: Uncertain significance for Autosomal recessive limb-girdle muscular dystrophy type 2Q; Epidermolysis bullosa simplex, Ogna type; Epidermolysis bullosa simplex with nail dystrophy; Epidermolysis bullosa simplex 5C, with pyloric atresia; Epidermolysis bullosa simplex 5B, with muscular dystrophy. Last evaluated: 2025-10-15. Review status: criteria provided, single submitter. Criteria: Invitae Variant Classification Sherloc (09022015). Collection method: clinical testing. Allele origin: germline.
Comment: This sequence change replaces threonine, which is neutral and polar, with methionine, which is neutral and non-polar, at codon 1774 of the PLEC protein (p.Thr1774Met). This variant is present in population databases (rs782103588, gnomAD 0.03%). This variant has not been reported in the literature in individuals affected with PLEC-related conditions. ClinVar contains an entry for this variant (Variation ID: 860180). Experimental studies and prediction algorithms are not available or were not evaluated, and the functional significance of this variant is currently unknown. In summary, the available evidence is currently insufficient to determine the role of this variant in disease. Therefore, it has been classified as a Variant of Uncertain Significance.

Ambry Genetics
Classification: Uncertain significance for Inborn genetic diseases. Last evaluated: 2025-05-26. Review status: criteria provided, single submitter. Criteria: Ambry Variant Classification Scheme 2023. Collection method: clinical testing. Allele origin: germline.

Blueprint Genetics
Classification: Uncertain significance. Last evaluated: 2024-05-14. Review status: criteria provided, single submitter. Criteria: ACMG Guidelines, 2015. Collection method: clinical testing. Allele origin: germline.

Revvity Omics, Revvity
Classification: Uncertain significance. Last evaluated: 2023-01-10. Review status: criteria provided, single submitter. Criteria: ACMG Guidelines, 2015. Collection method: clinical testing. Allele origin: germline.

NM_201384.3(PLEC):c.5240C>T (p.Thr1747Met)

Gene: PLEC (plectin; minus strand). Cytogenetic location: 8q24.3.
Variant type: single nucleotide variant.
Coding change: c.5240C>T on transcript NM_201384.3 (MANE Select); coding-DNA position 5240, C replaced by T.
Protein change: p.Thr1747Met; replaces threonine 1747 with methionine.
Molecular consequence: missense variant.
Genome position (GRCh38, 1-based): chr8:143,924,689, G>A on the plus strand (C>T on the coding strand, the complement: PLEC is on the minus strand). VCF-style: chr8-143924689-G-A. GRCh37 (hg19) VCF-style: chr8-144998857-G-A.
Other names: c.5321C>T, p.Thr1774Met (NM_000445.5); c.5198C>T, p.Thr1733Met (NM_201378.4); c.5174C>T, p.Thr1725Met (NM_201379.3); c.5651C>T, p.Thr1884Met (NM_201380.4); c.5144C>T, p.Thr1715Met (NM_201381.3); c.5240C>T, p.Thr1747Met (NM_201382.4); c.5252C>T, p.Thr1751Met (NM_201383.3); c.5321C>T (NM_000445.3); short protein forms T1774M, T1725M, T1751M, T1715M, T1733M, T1747M, T1884M.
Identifiers: ClinVar variation 860180 (VCV000860180.13), dbSNP rs782103588, ClinGen allele CA4926399.